The following is an entry in ClinVar:

ClinVar aggregate classification (germline): Likely pathogenic (1 of 4 stars; one submission).

Conditions:
Dilated cardiomyopathy 1G (CMD1G). Identifiers: Orphanet 154, MedGen C1858763, MONDO:0011400, OMIM 604145.
Autosomal recessive limb-girdle muscular dystrophy type 2J (LGMDR10). Also called: Limb-girdle muscular dystrophy, type 2J; MUSCULAR DYSTROPHY, LIMB-GIRDLE, AUTOSOMAL RECESSIVE 10. Identifiers: Orphanet 140922, MedGen C1837342, MONDO:0012127, OMIM 608807.

Submission:

Labcorp Genetics (formerly Invitae), Labcorp
Classification: Likely pathogenic for Dilated cardiomyopathy 1G; Autosomal recessive limb-girdle muscular dystrophy type 2J. Last evaluated: 2024-10-18. Review status: criteria provided, single submitter. Criteria: Invitae Variant Classification Sherloc (09022015). Collection method: clinical testing. Allele origin: germline.
Comment: This sequence change creates a premature translational stop signal (p.Leu4290Glnfs*15) in the TTN gene. While this is not anticipated to result in nonsense mediated decay, it is expected to create a truncated TTN protein. This variant is not present in population databases (gnomAD no frequency). This variant has not been reported in the literature in individuals affected with TTN-related conditions. ClinVar contains an entry for this variant (Variation ID: 1993547). This variant is located in the I band of TTN (PMID: 25589632). Truncating variants in this region have been reported in individuals affected with autosomal recessive centronuclear myopathy (PMID: 23975875, internal data). Truncating variants in this region have also been identified in individuals affected with autosomal dominant dilated cardiomyopathy and/or cardio-related conditions (PMID: 27869827, 32964742, internal data). In summary, the currently available evidence indicates that the variant is pathogenic, but additional data are needed to prove that conclusively. Therefore, this variant has been classified as Likely Pathogenic.

Literature cited by the submitters: PubMed 25589632; PubMed 23975875; PubMed 27869827; PubMed 32964742.

NM_001267550.2(TTN):c.12869del (p.Leu4290fs)

Gene: TTN (titin; minus strand). Cytogenetic location: 2q31.2.
Variant type: Deletion.
Coding change: c.12869del on transcript NM_001267550.2 (MANE Select); coding-DNA position 12869, one base deleted (T; older notation c.12869delT).
Protein change: p.Leu4290fs; shifts the reading frame from leucine 4290.
Molecular consequence: frameshift variant. On other transcripts: intron variant (1).
Genome position (GRCh38, 1-based): chr2:178,740,364, A deleted on the plus strand (T on the coding strand, the reverse complement: TTN is on the minus strand). VCF-style (leftmost placement, unchanged base first): chr2-178740363-TA-T. GRCh37 (hg19) VCF-style: chr2-179605090-TA-T.
Other names: c.11918del, p.Leu3973fs (NM_001256850.1); c.11780del, p.Leu3927fs (NM_003319.4); c.12155del, p.Leu4052fs (NM_133432.3); c.12356del, p.Leu4119fs (NM_133437.4); c.10361-2004del (NM_133378.4); short protein forms L3927fs, L4052fs, L4119fs, L3973fs, L4290fs.
Identifiers: ClinVar variation 1993547 (VCV001993547.4), dbSNP rs2530656616, ClinGen allele CA2580065135.